The following is an entry in ClinVar:

ClinVar aggregate classification (germline): Conflicting classifications of pathogenicity. Review status: criteria provided, conflicting classifications (1 of 4 stars). 4 submissions from 4 submitters: Uncertain significance (3); Likely benign (1). Last evaluated 2025-06-25.

Conditions:
Intellectual disability. Also called: Intellectual functioning disability; Intellectual developmental disorder; intellectual disabilities. Identifiers: MedGen C3714756, MeSH D008607, MONDO:0001071, HP:0001249.
Shashi-Pena syndrome (SHAPNS). Identifiers: Orphanet 689408, MedGen C4310672, MONDO:0014963, OMIM 617190.

Allele frequency attached by ClinVar (database versions not stated): gnomAD 0.00005; TOPMed 0.00005; gnomAD exomes 0.00006.
gnomAD v4.1: 90 of 1,611,796 alleles (0.0056%); highest among the groups gnomAD compares: Admixed American, 0.025%; no homozygotes.

Submissions (4):

Revvity Omics, Revvity
Classification: Uncertain significance for Shashi-Pena syndrome. Last evaluated: 2025-06-25. Review status: criteria provided, single submitter. Criteria: ACMG Guidelines, 2015. Collection method: clinical testing. Allele origin: germline.

Labcorp Genetics (formerly Invitae), Labcorp
Classification: Uncertain significance. Last evaluated: 2024-04-13. Review status: criteria provided, single submitter. Criteria: Invitae Variant Classification Sherloc (09022015). Collection method: clinical testing. Allele origin: germline.
Comment: This sequence change replaces proline, which is neutral and non-polar, with leucine, which is neutral and non-polar, at codon 140 of the ASXL2 protein (p.Pro140Leu). This variant is present in population databases (rs565110158, gnomAD 0.03%), and has an allele count higher than expected for a pathogenic variant. This variant has not been reported in the literature in individuals affected with ASXL2-related conditions. ClinVar contains an entry for this variant (Variation ID: 1521391). Advanced modeling of protein sequence and biophysical properties (such as structural, functional, and spatial information, amino acid conservation, physicochemical variation, residue mobility, and thermodynamic stability) performed at Invitae indicates that this missense variant is not expected to disrupt ASXL2 protein function with a negative predictive value of 80%. In summary, the available evidence is currently insufficient to determine the role of this variant in disease. Therefore, it has been classified as a Variant of Uncertain Significance.

Cambridge Genomics Laboratory, East Genomic Laboratory Hub, NHS Genomic Medicine Service
Classification: Likely benign for Intellectual disability. Last evaluated: 2020-04-29. Review status: criteria provided, single submitter. Criteria: ACGS Best Practice Guidelines for Variant Classification in Rare Disease 2020. Collection method: clinical testing. Allele origin: germline. Affected: yes. Observed: 1 variant allele.

Breakthrough Genomics
Classification: Uncertain significance. Review status: criteria provided, single submitter. Criteria: ACMG Guidelines, 2015. Collection method: not provided. Allele origin: germline. Inheritance: Autosomal dominant inheritance. Affected: yes.

NM_018263.6(ASXL2):c.419C>T (p.Pro140Leu)

Gene: ASXL2 (ASXL transcriptional regulator 2; minus strand). Cytogenetic location: 2p23.3.
Variant type: single nucleotide variant.
Coding change: c.419C>T on transcript NM_018263.6 (MANE Select); coding-DNA position 419, C replaced by T.
Protein change: p.Pro140Leu; replaces proline 140 with leucine.
Molecular consequence: missense variant. On other transcripts: 5 prime UTR variant (1).
Genome position (GRCh38, 1-based): chr2:25,771,525, G>A on the plus strand (C>T on the coding strand, the complement: ASXL2 is on the minus strand). VCF-style: chr2-25771525-G-A. GRCh37 (hg19) VCF-style: chr2-25994394-G-A.
Other names: c.245C>T, p.Pro82Leu (NM_001369346.1); c.-362C>T (NM_001369347.1); short protein forms P140L, P82L.
Identifiers: ClinVar variation 1521391 (VCV001521391.9), dbSNP rs565110158, ClinGen allele CA1558051.
Genomic context (GRCh38, chr2:25,771,525, plus strand): 5'-TTCTGTGATGGAGAAATGACTTTACCTGCTGGAATGGTGGGTGATGGGCAGCCTGACTGC[G>A]GGGAGGACGACGATACTAGGGAAAAAAAAGTGACAATAAAAGATTTTTGTTAACAGAGAT-3'
Protein context (NP_060733.4, residues 130-150): RWKRKVSSSS[Pro140Leu]QSGCPSPTIP